The following is an entry in ClinVar:

NM_017763.6(RNF43):c.1240C>A (p.Gln414Lys)

Gene: RNF43 (ring finger protein 43; minus strand). Cytogenetic location: 17q22.
Variant type: single nucleotide variant.
Coding change: c.1240C>A on transcript NM_017763.6 (MANE Select); coding-DNA position 1240, C replaced by A.
Protein change: p.Gln414Lys; replaces glutamine 414 with lysine.
Molecular consequence: missense variant.
Genome position (GRCh38, 1-based): chr17:58,358,536, G>T on the plus strand (C>A on the coding strand, the complement: RNF43 is on the minus strand). VCF-style: chr17-58358536-G-T. GRCh37 (hg19) VCF-style: chr17-56435897-G-T.
Other names: c.1240C>A, p.Gln414Lys (NM_001305544.3, NM_001438820.1, NM_001438821.1 and 1 more transcripts); c.859C>A, p.Gln287Lys (NM_001305545.2, NM_001437987.1); short protein forms Q414K, Q287K.
Identifiers: ClinVar variation 4578972 (VCV004578972.1).

ClinVar aggregate classification (germline): Uncertain significance (1 of 4 stars; one submission).

Submission:

Ambry Genetics
Classification: Uncertain significance. Last evaluated: 2025-10-21. Review status: criteria provided, single submitter. Criteria: Ambry Variant Classification Scheme 2023. Collection method: clinical testing. Allele origin: germline.
Comment: The p.Q414K variant (also known as c.1240C>A), located in coding exon 8 of the RNF43 gene, results from a C to A substitution at nucleotide position 1240. The glutamine at codon 414 is replaced by lysine, an amino acid with similar properties. This amino acid position is conserved. In addition, this alteration is predicted to be tolerated by in silico analysis. Based on the available evidence, the clinical significance of this variant remains unclear.